The following is an entry in ClinVar:

NM_000245.4(MET):c.1810C>T (p.Leu604Phe)

Gene: MET (MET proto-oncogene, receptor tyrosine kinase; plus strand). Cytogenetic location: 7q31.2.
Variant type: single nucleotide variant.
Coding change: c.1810C>T on transcript NM_000245.4 (MANE Select); coding-DNA position 1810, C replaced by T.
Protein change: p.Leu604Phe; replaces leucine 604 with phenylalanine.
Molecular consequence: missense variant.
Genome position (GRCh38, 1-based): chr7:116,755,463, C>T. VCF-style: chr7-116755463-C-T. GRCh37 (hg19) VCF-style: chr7-116395517-C-T.
Other names: c.1810C>T, p.Leu604Phe (NM_001127500.3, NM_001324401.3); c.520C>T, p.Leu174Phe (NM_001324402.2); short protein forms L604F, L174F.
Identifiers: ClinVar variation 4648221 (VCV004648221.1).

ClinVar aggregate classification (germline): Uncertain significance (1 of 4 stars; one submission).

Conditions:
Hereditary cancer-predisposing syndrome. Also called: Neoplastic Syndromes, Hereditary; Tumor predisposition; Hereditary Cancer Syndrome; Hereditary neoplastic syndrome. Identifiers: Orphanet 140162, MedGen C0027672, MeSH D009386, MONDO:0015356.

gnomAD v4.1: 1 of 1,614,096 alleles (0.000062%); highest among the groups gnomAD compares: Non-Finnish European, 0.000085%; no homozygotes.

Submission:

Ambry Genetics
Classification: Uncertain significance for Hereditary cancer-predisposing syndrome. Last evaluated: 2025-12-08. Review status: criteria provided, single submitter. Criteria: Ambry Variant Classification Scheme 2023. Collection method: clinical testing. Allele origin: germline.
Comment: The p.L604F variant (also known as c.1810C>T), located in coding exon 5 of the MET gene, results from a C to T substitution at nucleotide position 1810. The leucine at codon 604 is replaced by phenylalanine, an amino acid with highly similar properties. This amino acid position is not well conserved in available vertebrate species. In addition, this alteration is predicted to be tolerated by in silico analysis. Based on the available evidence, the clinical significance of this variant remains unclear.